The following is an entry in ClinVar:

NM_001127392.3(MYRF):c.1576C>T (p.Arg526Cys)

Gene: MYRF (myelin regulatory factor; plus strand). Cytogenetic location: 11q12.2.
Variant type: single nucleotide variant.
Coding change: c.1576C>T on transcript NM_001127392.3 (MANE Select); coding-DNA position 1576, C replaced by T.
Protein change: p.Arg526Cys; replaces arginine 526 with cysteine.
Molecular consequence: missense variant.
Genome position (GRCh38, 1-based): chr11:61,776,863, C>T. VCF-style: chr11-61776863-C-T. GRCh37 (hg19) VCF-style: chr11-61544335-C-T.
Other names: c.1549C>T, p.Arg517Cys (NM_013279.4); c.1576C>T (NM_001127392.2); short protein forms R517C, R526C.
Identifiers: ClinVar variation 2581072 (VCV002581072.2), dbSNP rs2540954215, ClinGen allele CA380855541.
Genomic context (GRCh38, chr11:61,776,863, plus strand): 5'-GTGGCCCTCCAGGCTCATGCACAGAACCAGAACTACACGCTGGCCGCCCAGATCTCAGAG[C>T]GCATCATTGTGCGGGTGAGGGCCACCTCCTCCCAGGGCGTAGACAGCCCTCCCCAGGACT-3'
Protein context (NP_001120864.1, residues 516-536): NYTLAAQISE[Arg526Cys]IIVRASNPGQ

ClinVar aggregate classification (germline): Conflicting classifications of pathogenicity. Review status: criteria provided, conflicting classifications (1 of 4 stars). 2 submissions from 2 submitters: Likely pathogenic (1); Uncertain significance (1). Last evaluated 2023-05-16.

Conditions:
Cardiac-urogenital syndrome (CUGS). Also called: MYRF-Related Cardiac Urogenital Syndrome. Identifiers: Orphanet 647811, MedGen C4748946, MONDO:0032653, OMIM 618280.

Allele frequency attached by ClinVar (database versions not stated): gnomAD exomes below 0.00001.
gnomAD v4.1: 1 of 1,606,704 alleles (0.000062%); highest among the groups gnomAD compares: Non-Finnish European, 0.000085%; no homozygotes.

Submissions (2):

GeneDx
Classification: Uncertain significance. Last evaluated: 2023-05-16. Review status: criteria provided, single submitter. Criteria: GeneDx Variant Classification Process June 2021. Collection method: clinical testing. Allele origin: germline. Affected: yes.
Comment: Not observed at significant frequency in large population cohorts (gnomAD); In silico analysis supports that this missense variant has a deleterious effect on protein structure/function; Has not been previously published as pathogenic or benign to our knowledge

Division Of Personalized Genomic Medicine, Columbia University Irving Medical Center
Classification: Likely pathogenic for Cardiac-urogenital syndrome. Last evaluated: 2020-02-05. Review status: criteria provided, single submitter. Criteria: ACMG Guidelines, 2015. Collection method: clinical testing. Allele origin: de novo. Inheritance: Autosomal dominant inheritance. Affected: yes. Observed: 1 heterozygote.
Comment: The c.1576C>T variant in the MYRF gene is a heterozygous missense variant, which results in the substitution of a highly evolutionarily conserved arginine residue to cysteine at amino acid position 526 (p.Arg526Cys). In silico analyses (SIFT, Provean) predict this change to be deleterious to the structure and/or function of the protein. This variant is absent in the Genome Aggregation Database (gnomAD), indicating it is not a common benign variant in the populations represented in this database. To the best of our knowledge, this specific variant has not been reported in the literature nor in any human disease mutation databases. Parental samples were analyzed and this variant was confirmed to be de novo in origin. This variant localizes to the DNA binding domain of the MYRF protein (PMID: 30532227). Other de novo, disease causing variants have been described to localize to the same region of the MYRF protein (PMID: 30532227). De novo variants in MYRF have been described to be causative of congenital diaphragmatic hernia, congenital heart disease and genitourinary anomalies.

Literature cited by the submitters: PubMed 30532227 (cited by Division Of Personalized Genomic Medicine, Columbia University Irving Medical Center).